The following is an entry in ClinVar:

ClinVar aggregate classification (germline): Uncertain significance (1 of 4 stars; one submission).

Conditions:
Familial hemophagocytic lymphohistiocytosis 4 (FHL4). Also called: STX11-Related Familial Hemophagocytic Lymphohistiocytosis (STX11-fHLH). Identifiers: Orphanet 540, MedGen C1863728, MONDO:0011336, OMIM 603552.

Allele frequency attached by ClinVar (database versions not stated): TOPMed 0.00002; ESP Exome Variant Server 0.00008.
gnomAD v4.1: 48 of 1,614,048 alleles (0.003%); highest among the groups gnomAD compares: Non-Finnish European, 0.004%; no homozygotes.

Submission:

Labcorp Genetics (formerly Invitae), Labcorp
Classification: Uncertain significance for Familial hemophagocytic lymphohistiocytosis 4. Last evaluated: 2021-09-01. Review status: criteria provided, single submitter. Criteria: Invitae Variant Classification Sherloc (09022015). Collection method: clinical testing. Allele origin: germline.
Comment: This sequence change replaces glycine with arginine at codon 22 of the STX11 protein (p.Gly22Arg). The glycine residue is weakly conserved and there is a moderate physicochemical difference between glycine and arginine. This variant is not present in population databases (ExAC no frequency). This variant has not been reported in the literature in individuals affected with STX11-related conditions. Algorithms developed to predict the effect of missense changes on protein structure and function (SIFT, PolyPhen-2, Align-GVGD) all suggest that this variant is likely to be tolerated. In summary, the available evidence is currently insufficient to determine the role of this variant in disease. Therefore, it has been classified as a Variant of Uncertain Significance.

NM_003764.4(STX11):c.64G>C (p.Gly22Arg)

Gene: STX11 (syntaxin 11; plus strand). Cytogenetic location: 6q24.2.
Variant type: single nucleotide variant.
Coding change: c.64G>C on transcript NM_003764.4 (MANE Select); coding-DNA position 64, G replaced by C.
Protein change: p.Gly22Arg; replaces glycine 22 with arginine.
Molecular consequence: missense variant.
Genome position (GRCh38, 1-based): chr6:144,186,691, G>C. VCF-style: chr6-144186691-G-C. GRCh37 (hg19) VCF-style: chr6-144507828-G-C.
Other names: short protein forms G22R.
Identifiers: ClinVar variation 937948 (VCV000937948.7), dbSNP rs375091661, ClinGen allele CA149823918.
Genomic context (GRCh38, chr6:144,186,691, plus strand): 5'-AAAGACCGGCTAGCAGAACTTCTGGACTTGTCCAAGCAATATGACCAGCAGTTCCCAGAC[G>C]GGGACGATGAGTTTGACTCGCCCCACGAGGACATCGTGTTCGAGACGGACCACATCCTGG-3'
Protein context (NP_003755.2, residues 12-32): SKQYDQQFPD[Gly22Arg]DDEFDSPHED